The following is an entry in ClinVar:

NM_014239.4(EIF2B2):c.672C>T (p.Ala224=)

Gene: EIF2B2 (eukaryotic translation initiation factor 2B subunit beta; plus strand). Cytogenetic location: 14q24.3.
Variant type: single nucleotide variant.
Coding change: c.672C>T on transcript NM_014239.4 (MANE Select); coding-DNA position 672, C replaced by T.
Protein change: p.Ala224=; no amino-acid change (alanine 224 retained).
Molecular consequence: synonymous variant.
Genome position (GRCh38, 1-based): chr14:75,005,940, C>T. VCF-style: chr14-75005940-C-T. GRCh37 (hg19) VCF-style: chr14-75472643-C-T.
Other names: c.672C>T (NM_014239.3).
Identifiers: ClinVar variation 1561773 (VCV001561773.10), dbSNP rs528714025, ClinGen allele CA7275012.

ClinVar aggregate classification (germline): Likely benign. Review status: criteria provided, multiple submitters, no conflicts (2 of 4 stars). 3 submissions from 3 submitters: Likely benign (3). Last evaluated 2024-11-25.

Conditions:
EIF2B2-related disorder. Also called: EIF2B2-related condition.
Vanishing white matter disease. Also called: CACH syndrome; Childhood ataxia with diffuse central nervous system hypomyelination; Leukoencephalopathy with vanishing white matter; CACH/VWM syndrome; Cree leukoencehalopathy. Identifiers: Orphanet 135, Orphanet 99853, MedGen C1858991, MONDO:0800448.

Allele frequency attached by ClinVar (database versions not stated): ExAC 0.00004; gnomAD exomes 0.00004 and 0.00002; 1000 Genomes Project 30x 0.00016; 1000 Genomes Project 0.00020; TOPMed below 0.00001; gnomAD 0.00001 and 0.00003.
gnomAD v4.1: 37 of 1,612,998 alleles (0.0023%); highest among the groups gnomAD compares: East Asian, 0.031%; no homozygotes.

Submissions (3):

PreventionGenetics, part of Exact Sciences
Classification: Likely benign for EIF2B2-related condition. Last evaluated: 2024-11-25. Review status: criteria provided, single submitter. Criteria: ACMG Guidelines, 2015. Collection method: clinical testing. Allele origin: germline.
Comment: This variant is classified as likely benign based on ACMG/AMP sequence variant interpretation guidelines (Richards et al. 2015 PMID: 25741868, with internal and published modifications).

Labcorp Genetics (formerly Invitae), Labcorp
Classification: Likely benign. Last evaluated: 2024-04-22. Review status: criteria provided, single submitter. Criteria: Invitae Variant Classification Sherloc (09022015). Collection method: clinical testing. Allele origin: germline.

Fulgent Genetics
Classification: Likely benign for Leukoencephalopathy with vanishing white matter 1. Last evaluated: 2021-09-21. Review status: criteria provided, single submitter. Criteria: ACMG Guidelines, 2015. Collection method: clinical testing. Allele origin: unknown.